The following is an entry in ClinVar:

ClinVar aggregate classification (germline): Uncertain significance. Review status: criteria provided, multiple submitters, no conflicts (2 of 4 stars). 3 submissions from 3 submitters: Uncertain significance (3). Last evaluated 2023-11-09.

Conditions:
Inborn genetic diseases. Identifiers: MedGen C0950123, MeSH D030342.

Allele frequency attached by ClinVar (database versions not stated): gnomAD 0.00004 and 0.00005; ExAC 0.00005; TOPMed 0.00005; gnomAD exomes 0.00011.

Submissions (3):

Ambry Genetics
Classification: Uncertain significance for Inborn genetic diseases. Last evaluated: 2023-11-09. Review status: criteria provided, single submitter. Criteria: Ambry Variant Classification Scheme 2023. Collection method: clinical testing. Allele origin: germline.

Blueprint Genetics
Classification: Uncertain significance. Last evaluated: 2023-10-05. Review status: criteria provided, single submitter. Criteria: ACMG Guidelines, 2015. Collection method: clinical testing. Allele origin: germline.

Labcorp Genetics (formerly Invitae), Labcorp
Classification: Uncertain significance. Last evaluated: 2022-03-01. Review status: criteria provided, single submitter. Criteria: Invitae Variant Classification Sherloc (09022015). Collection method: clinical testing. Allele origin: germline.
Comment: This sequence change replaces tyrosine, which is neutral and polar, with cysteine, which is neutral and slightly polar, at codon 151 of the LRIT3 protein (p.Tyr151Cys). This variant is present in population databases (rs777379281, gnomAD 0.1%). This variant has not been reported in the literature in individuals affected with LRIT3-related conditions. ClinVar contains an entry for this variant (Variation ID: 1057826). Algorithms developed to predict the effect of missense changes on protein structure and function output the following: SIFT: "Tolerated"; PolyPhen-2: "Benign"; Align-GVGD: "Class C0". The cysteine amino acid residue is found in multiple mammalian species, which suggests that this missense change does not adversely affect protein function. In summary, the available evidence is currently insufficient to determine the role of this variant in disease. Therefore, it has been classified as a Variant of Uncertain Significance.

NM_198506.5(LRIT3):c.452A>G (p.Tyr151Cys)

Gene: LRIT3 (leucine rich repeat, Ig-like and transmembrane domains 3; plus strand). Cytogenetic location: 4q25.
Variant type: single nucleotide variant.
Coding change: c.452A>G on transcript NM_198506.5 (MANE Select); coding-DNA position 452, A replaced by G.
Protein change: p.Tyr151Cys; replaces tyrosine 151 with cysteine.
Molecular consequence: missense variant.
Genome position (GRCh38, 1-based): chr4:109,851,839, A>G. VCF-style: chr4-109851839-A-G. GRCh37 (hg19) VCF-style: chr4-110772995-A-G.
Other names: c.317A>G (NM_198506.2); short protein forms Y151C.
Identifiers: ClinVar variation 1057826 (VCV001057826.4), dbSNP rs777379281, ClinGen allele CA3042991.